The following is an entry in ClinVar:

ClinVar aggregate classification (germline): Uncertain significance (1 of 4 stars; one submission).

Conditions:
Charcot-Marie-Tooth disease type 2. Also called: Charcot-Marie-Tooth type 2. Identifiers: Orphanet 64746, MedGen C0270914, MONDO:0018993.

gnomAD v4.1: 10 of 1,614,198 alleles (0.00062%); highest among the groups gnomAD compares: Admixed American, 0.005%; no homozygotes.

Submission:

Labcorp Genetics (formerly Invitae), Labcorp
Classification: Uncertain significance for Charcot-Marie-Tooth disease type 2. Last evaluated: 2024-08-21. Review status: criteria provided, single submitter. Criteria: Invitae Variant Classification Sherloc (09022015). Collection method: clinical testing. Allele origin: germline.
Comment: This sequence change replaces serine, which is neutral and polar, with phenylalanine, which is neutral and non-polar, at codon 937 of the AARS protein (p.Ser937Phe). This variant is present in population databases (rs774645781, gnomAD 0.01%). This variant has not been reported in the literature in individuals affected with AARS-related conditions. Invitae Evidence Modeling of protein sequence and biophysical properties (such as structural, functional, and spatial information, amino acid conservation, physicochemical variation, residue mobility, and thermodynamic stability) indicates that this missense variant is not expected to disrupt AARS protein function with a negative predictive value of 95%. In summary, the available evidence is currently insufficient to determine the role of this variant in disease. Therefore, it has been classified as a Variant of Uncertain Significance.

NM_001605.3(AARS1):c.2810C>T (p.Ser937Phe)

Gene: AARS1 (alanyl-tRNA synthetase 1; minus strand). Cytogenetic location: 16q22.1.
Variant type: single nucleotide variant.
Coding change: c.2810C>T on transcript NM_001605.3 (MANE Select); coding-DNA position 2810, C replaced by T.
Protein change: p.Ser937Phe; replaces serine 937 with phenylalanine.
Molecular consequence: missense variant.
Genome position (GRCh38, 1-based): chr16:70,252,818, G>A on the plus strand (C>T on the coding strand, the complement: AARS1 is on the minus strand). VCF-style: chr16-70252818-G-A. GRCh37 (hg19) VCF-style: chr16-70286721-G-A.
Other names: short protein forms S937F.
Identifiers: ClinVar variation 3710347 (VCV003710347.2).